The following is an entry in ClinVar:

ClinVar aggregate classification (germline): Likely benign (1 of 4 stars; one submission).

Conditions:
ITGA2-related disorder. Also called: ITGA2-related condition.

Submission:

PreventionGenetics, part of Exact Sciences
Classification: Likely benign for ITGA2-related condition. Last evaluated: 2026-03-18. Review status: criteria provided, single submitter. Criteria: ACMG Guidelines, 2015. Collection method: clinical testing. Allele origin: germline.
Comment: This variant is classified as likely benign based on ACMG/AMP sequence variant interpretation guidelines (Richards et al. 2015 PMID: 25741868, with internal and published modifications).

NM_002203.4(ITGA2):c.2236-19TG[4]

Gene: ITGA2 (integrin subunit alpha 2; plus strand). Cytogenetic location: 5q11.2.
Variant type: Microsatellite.
Coding change: c.2236-19TG[4] on transcript NM_002203.4 (MANE Select); four copies in a row of the 2-base unit TG starting at c.2236-19.
Molecular consequence: intron variant.
Genome position: GRCh38 VCF-style: chr5-53071918-TTG-T. GRCh37 (hg19) VCF-style: chr5-52367748-TTG-T.
Identifiers: ClinVar variation 4979006 (VCV004979006.1).